The following is an entry in ClinVar:

ClinVar aggregate classification (germline): Likely pathogenic (1 of 4 stars; one submission).

Conditions:
RBMX-related disorder. Also called: RBMX-related condition.

Submission:

Institute for Human Genetics, University Hospital Essen
Classification: Likely pathogenic for RBMX related disorder. Last evaluated: 2026-02-26. Review status: criteria provided, single submitter. Criteria: ACMG Guidelines, 2015. Collection method: clinical testing. Allele origin: maternal. Inheritance: X-linked inheritance. Affected: yes. Observed: 5 variant alleles, 5 hemizygotes.
Comment: PS3_mod, PM2_mod, PM4_mod, PP1_supp

NM_002139.4(RBMX):c.1141C>T (p.Arg381Ter)

Genes: RBMX (RNA binding motif protein X-linked; minus strand), LOC126863330 (MED14-independent group 3 enhancer GRCh37_chrX:135956167-135957366; plus strand). Cytogenetic location: Xq26.3.
Variant type: single nucleotide variant.
Coding change: c.1141C>T on transcript NM_002139.4 (MANE Select); coding-DNA position 1141, C replaced by T.
Protein change: p.Arg381Ter; replaces arginine 381 with a stop codon.
Molecular consequence: nonsense. On other transcripts: non-coding transcript variant (2), intron variant (1).
Genome position (GRCh38, 1-based): chrX:136,874,177, G>A on the plus strand (C>T on the coding strand, the complement: RBMX is on the minus strand). VCF-style: chrX-136874177-G-A. GRCh37 (hg19) VCF-style: chrX-135956336-G-A.
Other names: c.540+909C>T (NM_001164803.2); short protein forms R381*.
Identifiers: ClinVar variation 4813209 (VCV004813209.1).
Genomic context (GRCh38, chrX:136,874,177, plus strand): 5'-TTTTGGTCCAAAGTTTTGTTTGTTTCTAGTATCTGCTTCTGCCTCCCCCTCTATCAGATC[G>A]GCTTCCTCCACGGCCACCACCTCTTGGTGCTCCGCGGCTTGAACTGCTGTAGGAATCACG-3'